The following is an entry in ClinVar:

ClinVar aggregate classification (germline): Uncertain significance (1 of 4 stars; one submission).

Submission:

Ambry Genetics
Classification: Uncertain significance. Last evaluated: 2021-12-12. Review status: criteria provided, single submitter. Criteria: Ambry Variant Classification Scheme 2023. Collection method: clinical testing. Allele origin: germline.
Comment: The p.W162L variant (also known as c.485G>T), located in coding exon 4 of the BUB3 gene, results from a G to T substitution at nucleotide position 485. The tryptophan at codon 162 is replaced by leucine, an amino acid with similar properties. This amino acid position is conserved. In addition, this alteration is predicted to be deleterious by in silico analysis. Since supporting evidence is limited at this time, the clinical significance of this alteration remains unclear.

NM_004725.4(BUB3):c.485G>T (p.Trp162Leu)

Gene: BUB3 (BUB3 mitotic checkpoint protein; plus strand). Cytogenetic location: 10q26.13.
Variant type: single nucleotide variant.
Coding change: c.485G>T on transcript NM_004725.4 (MANE Select); coding-DNA position 485, G replaced by T.
Protein change: p.Trp162Leu; replaces tryptophan 162 with leucine.
Molecular consequence: missense variant.
Genome position (GRCh38, 1-based): chr10:123,160,474, G>T. VCF-style: chr10-123160474-G-T. GRCh37 (hg19) VCF-style: chr10-124919990-G-T.
Other names: c.485G>T, p.Trp162Leu (NM_001007793.3); short protein forms W162L.
Identifiers: ClinVar variation 1743630 (VCV001743630.2), dbSNP rs2493763223, ClinGen allele CA378626194.